The following is an entry in ClinVar:

NM_004553.6(NDUFS6):c.-1A>G

Genes: MRPL36 (mitochondrial ribosomal protein L36; minus strand), NDUFS6 (NADH:ubiquinone oxidoreductase subunit S6; plus strand). Cytogenetic location: 5p15.33.
Variant type: single nucleotide variant.
Coding change: c.-1A>G on transcript NM_004553.6 (MANE Select); 1 bases upstream of the start codon, A replaced by G.
Molecular consequence: 5 prime UTR variant.
Genome position (GRCh38, 1-based): chr5:1,801,417, A>G. VCF-style: chr5-1801417-A-G. GRCh37 (hg19) VCF-style: chr5-1801531-A-G.
Identifiers: ClinVar variation 3046895 (VCV003046895.2), dbSNP rs1734034793, ClinGen allele CA2740091705.

ClinVar aggregate classification (germline): Likely benign (0 of 4 stars; one submission).

Conditions:
NDUFS6-related disorder. Also called: NDUFS6-related condition.

Submission:

PreventionGenetics, part of Exact Sciences
Classification: Likely benign for NDUFS6-related condition. Last evaluated: 2020-03-19. Review status: no assertion criteria provided. Collection method: clinical testing. Allele origin: germline.
Comment: This variant is classified as likely benign based on ACMG/AMP sequence variant interpretation guidelines (Richards et al. 2015 PMID: 25741868, with internal and published modifications).